The following is an entry in ClinVar:

NM_002528.7(NTHL1):c.336C>G (p.Asp112Glu)

Gene: NTHL1 (nth like DNA glycosylase 1; minus strand). Cytogenetic location: 16p13.3.
Variant type: single nucleotide variant.
Coding change: c.336C>G on transcript NM_002528.7 (MANE Select); coding-DNA position 336, C replaced by G.
Protein change: p.Asp112Glu; replaces aspartic acid 112 with glutamic acid.
Molecular consequence: missense variant. On other transcripts: intron variant (1).
Genome position (GRCh38, 1-based): chr16:2,046,146, G>C on the plus strand (C>G on the coding strand, the complement: NTHL1 is on the minus strand). VCF-style: chr16-2046146-G-C. GRCh37 (hg19) VCF-style: chr16-2096147-G-C.
Other names: c.336C>G, p.Asp112Glu (NM_001318193.2); c.24+134C>G (NM_001318194.2); short protein forms D112E.
Identifiers: ClinVar variation 864092 (VCV000864092.18), dbSNP rs1186300844, ClinGen allele CA394295131.

ClinVar aggregate classification (germline): Uncertain significance. Review status: criteria provided, multiple submitters, no conflicts (2 of 4 stars). 3 submissions from 3 submitters: Uncertain significance (3). Last evaluated 2025-09-01.

Conditions:
Hereditary cancer-predisposing syndrome. Also called: Hereditary Cancer Syndrome; Neoplastic Syndromes, Hereditary; Tumor predisposition; Hereditary neoplastic syndrome. Identifiers: Orphanet 140162, MedGen C0027672, MeSH D009386, MONDO:0015356.

Allele frequency attached by ClinVar (database versions not stated): gnomAD exomes below 0.00001.
gnomAD v4.1: 4 of 1,612,912 alleles (0.00025%); highest among the groups gnomAD compares: Admixed American, 0.0067%; no homozygotes.

Submissions (3):

CeGaT Center for Human Genetics Tuebingen
Classification: Uncertain significance. Last evaluated: 2025-09-01. Review status: criteria provided, single submitter. Criteria: CeGaT Center For Human Genetics Tuebingen Variant Classification Criteria Version 2. Collection method: clinical testing. Allele origin: germline. Affected: yes. Observed: 1 variant allele.

Labcorp Genetics (formerly Invitae), Labcorp
Classification: Uncertain significance. Last evaluated: 2025-05-07. Review status: criteria provided, single submitter. Criteria: Invitae Variant Classification Sherloc (09022015). Collection method: clinical testing. Allele origin: germline.
Comment: This sequence change replaces aspartic acid, which is acidic and polar, with glutamic acid, which is acidic and polar, at codon 120 of the NTHL1 protein (p.Asp120Glu). This variant is present in population databases (no rsID available, gnomAD 0.003%). This variant has not been reported in the literature in individuals affected with NTHL1-related conditions. ClinVar contains an entry for this variant (Variation ID: 864092). An algorithm developed to predict the effect of missense changes on protein structure and function (PolyPhen-2) suggests that this variant is likely to be tolerated. In summary, the available evidence is currently insufficient to determine the role of this variant in disease. Therefore, it has been classified as a Variant of Uncertain Significance.

Ambry Genetics
Classification: Uncertain significance for Hereditary cancer-predisposing syndrome. Last evaluated: 2024-11-21. Review status: criteria provided, single submitter. Criteria: Ambry Variant Classification Scheme 2023. Collection method: clinical testing. Allele origin: germline.
Comment: The p.D120E variant (also known as c.360C>G), located in coding exon 2 of the NTHL1 gene, results from a C to G substitution at nucleotide position 360. The aspartic acid at codon 120 is replaced by glutamic acid, an amino acid with highly similar properties. This amino acid position is highly conserved in available vertebrate species. In addition, the in silico prediction for this alteration is inconclusive. Since supporting evidence is limited at this time, the clinical significance of this alteration remains unclear.